The following is an entry in ClinVar:

NM_000257.4(MYH7):c.4395G>A (p.Ser1465=)

Genes: MHRT (myosin heavy chain associated RNA transcript; plus strand), MYH7 (myosin heavy chain 7; minus strand). Cytogenetic location: 14q11.2.
Variant type: single nucleotide variant.
Coding change: c.4395G>A on transcript NM_000257.4 (MANE Select); coding-DNA position 4395, G replaced by A.
Protein change: p.Ser1465=; no amino-acid change (serine 1465 retained).
Molecular consequence: synonymous variant. On other transcripts: non-coding transcript variant (1).
Genome position (GRCh38, 1-based): chr14:23,417,277, C>T on the plus strand (G>A on the coding strand, the complement: MYH7 is on the minus strand). VCF-style: chr14-23417277-C-T. GRCh37 (hg19) VCF-style: chr14-23886486-C-T.
Identifiers: ClinVar variation 881069 (VCV000881069.15), dbSNP rs397516213, ClinGen allele CA042163.

ClinVar aggregate classification (germline): Conflicting classifications of pathogenicity. Review status: criteria provided, conflicting classifications (1 of 4 stars). 9 submissions from 6 submitters: Uncertain significance (4); Likely benign (5). Last evaluated 2025-11-08.

Conditions:
Myosin storage myopathy (CMYO7A). Also called: MYOPATHY, HYALINE BODY, AUTOSOMAL DOMINANT; MYOPATHY WITH LYSIS OF TYPE I MYOFIBRILS; Scapuloperoneal myopathy, MYH7-related; MYH7-related late-onset scapuloperoneal muscular dystrophy; Congenital myopathy 7A, myosin storage, autosomal dominant; SCAPULOPERONEAL MUSCULAR DYSTROPHY. Identifiers: Orphanet 437572, Orphanet 636965, MedGen C1842160, MONDO:0008409, OMIM 608358.
Hypertrophic cardiomyopathy 1 (CMH1). Also called: MYH7-Related Familial Hypertrophic Cardiomyopathy; Familial hypertrophic cardiomyopathy 1. Identifiers: MedGen C3495498, MONDO:0008647, OMIM 192600.
Dilated cardiomyopathy 1S (CMD1S). Identifiers: Orphanet 154, Orphanet 54260, MedGen C1834481, MONDO:0013262, OMIM 613426.
Hypertrophic cardiomyopathy. Also called: HYPERTROPHIC MYOCARDIOPATHY. Identifiers: Orphanet 217569, MedGen C0007194, MeSH D002312, MONDO:0005045, HP:0001639.
Cardiovascular phenotype. Identifiers: MedGen CN230736.
MYH7-related skeletal myopathy. Also called: Myopathy, distal, 1; Laing distal myopathy; Laing early-onset distal myopathy; MYOPATHY, DISTAL, EARLY-ONSET, AUTOSOMAL DOMINANT; MYOPATHY, LATE DISTAL HEREDITARY. Identifiers: Orphanet 59135, MedGen C4552004, MONDO:0008050, OMIM 160500.
Cardiomyopathy (CMYO). Also called: Cardiomyopathies. Identifiers: Orphanet 167848, MedGen C0878544, MONDO:0004994, HP:0001638. Inheritance: Various modes of inheritance.

Allele frequency attached by ClinVar (database versions not stated): TOPMed 0.00002; 1000 Genomes Project 30x 0.00016; 1000 Genomes Project 0.00020.
gnomAD v4.1: 18 of 1,614,162 alleles (0.0011%); highest among the groups gnomAD compares: East Asian, 0.0089%; no homozygotes.

Submissions (9):

Labcorp Genetics (formerly Invitae), Labcorp
Classification: Likely benign for Hypertrophic cardiomyopathy. Last evaluated: 2025-11-08. Review status: criteria provided, single submitter. Criteria: Invitae Variant Classification Sherloc (09022015). Collection method: clinical testing. Allele origin: germline.

All of Us Research Program, National Institutes of Health
Classification: Likely benign for Cardiomyopathy. Last evaluated: 2024-06-09. Review status: criteria provided, single submitter. Criteria: ACMG Guidelines, 2015. Collection method: clinical testing. Allele origin: germline. Inheritance: Autosomal dominant inheritance. Observed: 2 variant alleles, 2 heterozygotes.
Comment: This study involves interpretation of variants in research participants for the purpose of population health screening. Participant phenotype was not available at the time of variant classification. Additional details can be found in publication PMID: 35346344, PMCID: PMC8962531

Blueprint Genetics
Classification: Likely benign. Last evaluated: 2023-10-30. Review status: criteria provided, single submitter. Criteria: ACMG Guidelines, 2015. Collection method: clinical testing. Allele origin: germline.

Ambry Genetics
Classification: Likely benign for Cardiovascular phenotype. Last evaluated: 2023-06-14. Review status: criteria provided, single submitter. Criteria: Ambry Variant Classification Scheme 2023. Collection method: clinical testing. Allele origin: germline.

Color Diagnostics, LLC DBA Color Health
Classification: Likely benign for Cardiomyopathy. Last evaluated: 2018-11-03. Review status: criteria provided, single submitter. Criteria: ACMG Guidelines, 2015. Collection method: clinical testing. Allele origin: germline.

Illumina Laboratory Services, Illumina
Classification: Uncertain significance for Dilated cardiomyopathy 1S. Last evaluated: 2018-01-12. Review status: criteria provided, single submitter. Criteria: ICSL Variant Classification Criteria 13 December 2019. Collection method: clinical testing. Allele origin: germline.

Illumina Laboratory Services, Illumina
Classification: Uncertain significance for MYH7-related skeletal myopathy. Last evaluated: 2018-01-12. Review status: criteria provided, single submitter. Criteria: ICSL Variant Classification Criteria 13 December 2019. Collection method: clinical testing. Allele origin: germline.

Illumina Laboratory Services, Illumina
Classification: Uncertain significance for Myosin storage myopathy. Last evaluated: 2018-01-12. Review status: criteria provided, single submitter. Criteria: ICSL Variant Classification Criteria 13 December 2019. Collection method: clinical testing. Allele origin: germline.

Illumina Laboratory Services, Illumina
Classification: Uncertain significance for Hypertrophic cardiomyopathy 1. Last evaluated: 2018-01-12. Review status: criteria provided, single submitter. Criteria: ICSL Variant Classification Criteria 13 December 2019. Collection method: clinical testing. Allele origin: germline.